The following is an entry in ClinVar:

ClinVar aggregate classification (germline): Uncertain significance. Review status: criteria provided, multiple submitters, no conflicts (2 of 4 stars). 3 submissions from 3 submitters: Uncertain significance (3). Last evaluated 2026-08-21.

Conditions:
MFAP5-related disorder. Also called: MFAP5-related condition.
Cardiovascular phenotype. Identifiers: MedGen CN230736.

Allele frequency attached by ClinVar (database versions not stated): gnomAD exomes 0.00001; gnomAD 0.00002; TOPMed 0.00002.
gnomAD v4.1: 10 of 1,605,414 alleles (0.00062%); highest among the groups gnomAD compares: Middle Eastern, 0.017%; no homozygotes.

Submissions (3):

PreventionGenetics, part of Exact Sciences
Classification: Uncertain significance for MFAP5-related condition. Last evaluated: 2026-08-21. Review status: criteria provided, single submitter. Criteria: ACMG Guidelines, 2015. Collection method: clinical testing. Allele origin: germline.
Comment: The MFAP5 c.161C>T variant is predicted to result in the amino acid substitution p.Thr54Ile. To our knowledge, this variant has not been reported in the literature. This variant is reported in 0.0018% of alleles in individuals of European (Non-Finnish) descent in gnomAD. At this time, the clinical significance of this variant is uncertain due to the absence of conclusive functional and genetic evidence.

Labcorp Genetics (formerly Invitae), Labcorp
Classification: Uncertain significance. Last evaluated: 2025-07-06. Review status: criteria provided, single submitter. Criteria: Invitae Variant Classification Sherloc (09022015). Collection method: clinical testing. Allele origin: germline.
Comment: This sequence change replaces threonine, which is neutral and polar, with isoleucine, which is neutral and non-polar, at codon 54 of the MFAP5 protein (p.Thr54Ile). This variant is present in population databases (no rsID available, gnomAD 0.002%). This variant has not been reported in the literature in individuals affected with MFAP5-related conditions. ClinVar contains an entry for this variant (Variation ID: 1922606). An algorithm developed to predict the effect of missense changes on protein structure and function (PolyPhen-2) suggests that this variant is likely to be disruptive. In summary, the available evidence is currently insufficient to determine the role of this variant in disease. Therefore, it has been classified as a Variant of Uncertain Significance.

Ambry Genetics
Classification: Uncertain significance for Cardiovascular phenotype. Last evaluated: 2024-08-27. Review status: criteria provided, single submitter. Criteria: Ambry Variant Classification Scheme 2023. Collection method: clinical testing. Allele origin: germline.

NM_003480.4(MFAP5):c.161C>T (p.Thr54Ile)

Gene: MFAP5 (microfibril associated protein 5; minus strand). Cytogenetic location: 12p13.31.
Variant type: single nucleotide variant.
Coding change: c.161C>T on transcript NM_003480.4 (MANE Select); coding-DNA position 161, C replaced by T.
Protein change: p.Thr54Ile; replaces threonine 54 with isoleucine.
Molecular consequence: missense variant. On other transcripts: non-coding transcript variant (2).
Genome position (GRCh38, 1-based): chr12:8,655,426, G>A on the plus strand (C>T on the coding strand, the complement: MFAP5 is on the minus strand). VCF-style: chr12-8655426-G-A. GRCh37 (hg19) VCF-style: chr12-8808022-G-A.
Other names: c.161C>T (NM_003480.3, NM_003480.2); c.161C>T, p.Thr54Ile (NM_001297709.2, NM_001297711.2, NM_001297712.2); c.125C>T, p.Thr42Ile (NM_001297710.2); short protein forms T42I, T54I.
Identifiers: ClinVar variation 1922606 (VCV001922606.7), dbSNP rs952892229, ClinGen allele CA232306450.